The following is an entry in ClinVar:

ClinVar aggregate classification (germline): Uncertain significance. Review status: criteria provided, multiple submitters, no conflicts (2 of 4 stars). 3 submissions from 3 submitters: Uncertain significance (3). Last evaluated 2026-01-22.

Conditions:
Inborn genetic diseases. Identifiers: MedGen C0950123, MeSH D030342.

Allele frequency attached by ClinVar (database versions not stated): gnomAD 0.00007; TOPMed 0.00007; ESP Exome Variant Server 0.00008; ExAC 0.00009.
gnomAD v4.1: 107 of 1,613,250 alleles (0.0066%); highest among the groups gnomAD compares: Admixed American, 0.012%; no homozygotes.

Submissions (3):

Labcorp Genetics (formerly Invitae), Labcorp
Classification: Uncertain significance. Last evaluated: 2026-01-22. Review status: criteria provided, single submitter. Criteria: Invitae Variant Classification Sherloc (09022015). Collection method: clinical testing. Allele origin: germline.
Comment: This sequence change replaces glycine, which is neutral and non-polar, with serine, which is neutral and polar, at codon 598 of the ANO6 protein (p.Gly598Ser). This variant is present in population databases (rs142305365, gnomAD 0.01%). This variant has not been reported in the literature in individuals affected with ANO6-related conditions. ClinVar contains an entry for this variant (Variation ID: 2356590). Invitae Evidence Modeling of protein sequence and biophysical properties (such as structural, functional, and spatial information, amino acid conservation, physicochemical variation, residue mobility, and thermodynamic stability) indicates that this missense variant is not expected to disrupt ANO6 protein function with a negative predictive value of 80%. In summary, the available evidence is currently insufficient to determine the role of this variant in disease. Therefore, it has been classified as a Variant of Uncertain Significance.

Women's Health and Genetics/Laboratory Corporation of America, LabCorp
Classification: Uncertain significance. Last evaluated: 2025-05-28. Review status: criteria provided, single submitter. Criteria: LabCorp Variant Classification Summary - May 2015. Collection method: clinical testing. Allele origin: germline.
Comment: Variant summary: ANO6 c.1792G>A (p.Gly598Ser) results in a non-conservative amino acid change in the encoded protein sequence. Algorithms developed to predict the effect of missense changes on protein structure and function are either unavailable or do not agree on the potential impact of this missense change. The variant allele was found at a frequency of 8e-05 in 251082 control chromosomes. This frequency is not significantly higher than estimated for a pathogenic variant in ANO6 causing Scott Syndrome, allowing no conclusion about variant significance. To our knowledge, no occurrence of c.1792G>A in individuals affected with Scott Syndrome and no experimental evidence demonstrating its impact on protein function have been reported. ClinVar contains an entry for this variant (Variation ID: 2356590). Based on the evidence outlined above, the variant was classified as uncertain significance.

Ambry Genetics
Classification: Uncertain significance for Inborn genetic diseases. Last evaluated: 2025-04-10. Review status: criteria provided, single submitter. Criteria: Ambry Variant Classification Scheme 2023. Collection method: clinical testing. Allele origin: germline.

NM_001025356.3(ANO6):c.1792G>A (p.Gly598Ser)

Gene: ANO6 (anoctamin 6; plus strand). Cytogenetic location: 12q12.
Variant type: single nucleotide variant.
Coding change: c.1792G>A on transcript NM_001025356.3 (MANE Select); coding-DNA position 1792, G replaced by A.
Protein change: p.Gly598Ser; replaces glycine 598 with serine.
Molecular consequence: missense variant.
Genome position (GRCh38, 1-based): chr12:45,403,448, G>A. VCF-style: chr12-45403448-G-A. GRCh37 (hg19) VCF-style: chr12-45797231-G-A.
Other names: c.1738G>A, p.Gly580Ser (NM_001142678.2); c.1792G>A, p.Gly598Ser (NM_001142679.2); c.1855G>A, p.Gly619Ser (NM_001204803.2); c.1759G>A, p.Gly587Ser (NM_001410973.1); short protein forms G580S, G587S, G598S, G619S.
Identifiers: ClinVar variation 2356590 (VCV002356590.5), dbSNP rs142305365, ClinGen allele CA6525441.